The following is an entry in ClinVar:

NM_004370.6(COL12A1):c.5167T>C (p.Ser1723Pro)

Gene: COL12A1 (collagen type XII alpha 1 chain; minus strand). Cytogenetic location: 6q13.
Variant type: single nucleotide variant.
Coding change: c.5167T>C on transcript NM_004370.6 (MANE Select); coding-DNA position 5167, T replaced by C.
Protein change: p.Ser1723Pro; replaces serine 1723 with proline.
Molecular consequence: missense variant.
Genome position (GRCh38, 1-based): chr6:75,138,511, A>G on the plus strand (T>C on the coding strand, the complement: COL12A1 is on the minus strand). VCF-style: chr6-75138511-A-G. GRCh37 (hg19) VCF-style: chr6-75848227-A-G.
Other names: c.5167T>C, p.Ser1723Pro (NM_001424113.1, NM_001424114.1); c.4894T>C, p.Ser1632Pro (NM_001424115.1); c.1675T>C, p.Ser559Pro (NM_001424116.1, NM_080645.3); short protein forms S1723P, S1632P, S559P.
Identifiers: ClinVar variation 2938953 (VCV002938953.3), dbSNP rs2533317841, ClinGen allele CA364739118.

ClinVar aggregate classification (germline): Uncertain significance (1 of 4 stars; one submission).

Conditions:
Ullrich congenital muscular dystrophy 2 (UCMD2). Identifiers: Orphanet 75840, MedGen C4225314, MONDO:0014654, OMIM 616470.
Bethlem myopathy 2 (BTHLM2). Identifiers: Orphanet 536516, Orphanet 610, MedGen C4225313, MONDO:0034022, OMIM 616471.

Submission:

Labcorp Genetics (formerly Invitae), Labcorp
Classification: Uncertain significance for Bethlem myopathy 2; Ullrich congenital muscular dystrophy 2. Last evaluated: 2023-11-20. Review status: criteria provided, single submitter. Criteria: Invitae Variant Classification Sherloc (09022015). Collection method: clinical testing. Allele origin: germline.
Comment: This sequence change replaces serine, which is neutral and polar, with proline, which is neutral and non-polar, at codon 1723 of the COL12A1 protein (p.Ser1723Pro). This variant is not present in population databases (gnomAD no frequency). This variant has not been reported in the literature in individuals affected with COL12A1-related conditions. Advanced modeling of protein sequence and biophysical properties (such as structural, functional, and spatial information, amino acid conservation, physicochemical variation, residue mobility, and thermodynamic stability) performed at Invitae indicates that this missense variant is not expected to disrupt COL12A1 protein function with a negative predictive value of 80%. In summary, the available evidence is currently insufficient to determine the role of this variant in disease. Therefore, it has been classified as a Variant of Uncertain Significance.